The following is an entry in ClinVar:

ClinVar aggregate classification (germline): Pathogenic (1 of 4 stars; one submission).

Submission:

Labcorp Genetics (formerly Invitae), Labcorp
Classification: Pathogenic. Last evaluated: 2020-06-03. Review status: criteria provided, single submitter. Criteria: Invitae Variant Classification Sherloc (09022015). Collection method: clinical testing. Allele origin: unknown.
Comment: This variant results in the partial deletion of exon 22 (c.2172_*236del) of the PHEX gene. While this deletion is not anticipated to result in nonsense mediated decay, it is expected to create a truncated protein product or disrupt mRNA translation. This variant has not been reported in the literature in individuals with PHEX-related conditions. This variant disrupts the C-terminus of the PHEX protein. Other variant(s) that disrupt this region (p.Arg747) have been determined to be pathogenic (PMID: 9199930, 9768674). This suggests that variants that disrupt this region of the protein are likely to be causative of disease. For these reasons, this variant has been classified as Pathogenic.

Literature cited by the submitters: PubMed 9199930; PubMed 9768674.

NC_000023.10:g.(?_22265992)_(22266306_?)del

Gene: PHEX (phosphate regulating endopeptidase X-linked; plus strand). Cytogenetic location: Xp22.11.
Variant type: Deletion.
Identifiers: ClinVar variation 3246177 (VCV003246177.1).